The following is an entry in ClinVar:

ClinVar aggregate classification (germline): Pathogenic (1 of 4 stars; one submission).

Conditions:
Chuvash polycythemia. Also called: POLYCYTHEMIA, VHL-DEPENDENT. Identifiers: Orphanet 238557, MedGen C1837915, MONDO:0009892, OMIM 263400.
Von Hippel-Lindau syndrome (VHLS). Also called: von Hippel–Lindau syndrome; VHL syndrome; Von Hippel-Lindau. Identifiers: Orphanet 892, MedGen C0019562, MONDO:0008667, OMIM 193300. Disease mechanism: loss of function.

Submission:

Labcorp Genetics (formerly Invitae), Labcorp
Classification: Pathogenic for Von Hippel-Lindau syndrome; Chuvash polycythemia. Last evaluated: 2016-06-12. Review status: criteria provided, single submitter. Criteria: Invitae Variant Classification Sherloc (09022015). Collection method: clinical testing. Allele origin: germline.
Comment: This variant is a gross deletion of the genomic region encompassing exon 3 of the VHL gene. The 5' boundary is likely confined to intron 2. The 3' end of this event is unknown as it extends through the termination codon beyond the assayed region for this gene and may encompass additional genes. While this deletion is not anticipated to result in nonsense mediated decay, it is expected to create a truncated VHL protein. Truncating variants in VHL are known to be pathogenic (PMID: 8956040, 12202531). Exon 3 deletions have been reported in multiple families with von Hippel-Lindau Syndrome (PMID: 19280651, 8069305, 8707293). This deletion includes the elongin binding domain of VHL (PMID: 14987375), which is required for protein stability and tumor suppressive activity (PMID: 10900011). There are a number of missense and nonsense mutations found in exon 3 in individuals with von Hippel-Lindau syndrome, further demonstrating the importance of this region (PMID: 8707293). For these reasons, this variant has been classified as Pathogenic.

NC_000003.12:g.(?_10149787)_(10153670_?)del

Genes: VHL (von Hippel-Lindau tumor suppressor; plus strand), LOC107303340 (3p25 von Hippel-Lindau tumor suppressor, E3 ubiquitin protein ligase Alu-mediated recombination region; plus strand). Cytogenetic location: 3p25.3.
Variant type: Deletion.
Other names: c.464-?_*3705+?del (LRG_322t1).
Identifiers: ClinVar variation 238109 (VCV000238109.1).